The following is an entry in ClinVar:

ClinVar aggregate classification (germline): Uncertain significance. Review status: criteria provided, multiple submitters, no conflicts (2 of 4 stars). 3 submissions from 3 submitters: Uncertain significance (3). Last evaluated 2025-06-23.

Conditions:
Cerebroretinal microangiopathy with calcifications and cysts 1 (CRMCC1). Identifiers: Orphanet 313838, MedGen C4552029, MONDO:0024564, OMIM 612199.
Inborn genetic diseases. Identifiers: MedGen C0950123, MeSH D030342.
Dyskeratosis congenita. Identifiers: Orphanet 1775, MedGen C0265965, MONDO:0015780.

Allele frequency attached by ClinVar (database versions not stated): ExAC 0.00001; gnomAD 0.00002; gnomAD exomes 0.00003; TOPMed 0.00003; ESP Exome Variant Server 0.00008.
gnomAD v4.1: 12 of 1,612,756 alleles (0.00074%); highest among the groups gnomAD compares: Admixed American, 0.012%; no homozygotes.

Submissions (3):

Labcorp Genetics (formerly Invitae), Labcorp
Classification: Uncertain significance for Dyskeratosis congenita. Last evaluated: 2025-06-23. Review status: criteria provided, single submitter. Criteria: Invitae Variant Classification Sherloc (09022015). Collection method: clinical testing. Allele origin: germline.
Comment: This sequence change replaces proline, which is neutral and non-polar, with alanine, which is neutral and non-polar, at codon 520 of the CTC1 protein (p.Pro520Ala). The frequency data for this variant in the population databases is considered unreliable, as metrics indicate poor data quality at this position in the gnomAD database. This variant has not been reported in the literature in individuals affected with CTC1-related conditions. ClinVar contains an entry for this variant (Variation ID: 854129). Invitae Evidence Modeling of protein sequence and biophysical properties (such as structural, functional, and spatial information, amino acid conservation, physicochemical variation, residue mobility, and thermodynamic stability) indicates that this missense variant is not expected to disrupt CTC1 protein function with a negative predictive value of 80%. In summary, the available evidence is currently insufficient to determine the role of this variant in disease. Therefore, it has been classified as a Variant of Uncertain Significance.

Fulgent Genetics
Classification: Uncertain significance for Cerebroretinal microangiopathy with calcifications and cysts 1. Last evaluated: 2024-04-25. Review status: criteria provided, single submitter. Criteria: ACMG Guidelines, 2015. Collection method: clinical testing. Allele origin: germline.

Ambry Genetics
Classification: Uncertain significance for Inborn genetic diseases. Last evaluated: 2023-03-24. Review status: criteria provided, single submitter. Criteria: Ambry Variant Classification Scheme 2023. Collection method: clinical testing. Allele origin: germline.

NM_025099.6(CTC1):c.1558C>G (p.Pro520Ala)

Gene: CTC1 (CST telomere replication complex component 1; minus strand). Cytogenetic location: 17p13.1.
Variant type: single nucleotide variant.
Coding change: c.1558C>G on transcript NM_025099.6 (MANE Select); coding-DNA position 1558, C replaced by G.
Protein change: p.Pro520Ala; replaces proline 520 with alanine.
Molecular consequence: missense variant. On other transcripts: non-coding transcript variant (1).
Genome position (GRCh38, 1-based): chr17:8,234,808, G>C on the plus strand (C>G on the coding strand, the complement: CTC1 is on the minus strand). VCF-style: chr17-8234808-G-C. GRCh37 (hg19) VCF-style: chr17-8138126-G-C.
Other names: short protein forms P520A.
Identifiers: ClinVar variation 854129 (VCV000854129.10), dbSNP rs371714831, ClinGen allele CA8372317.